The following is an entry in ClinVar:

ClinVar aggregate classification (germline): Uncertain significance (1 of 4 stars; one submission).

Conditions:
SCAPER-related disorder. Also called: SCAPER-related condition.

Submission:

PreventionGenetics, part of Exact Sciences
Classification: Uncertain significance for SCAPER-related condition. Last evaluated: 2025-08-08. Review status: criteria provided, single submitter. Criteria: ACMG Guidelines, 2015. Collection method: clinical testing. Allele origin: germline.
Comment: The SCAPER c.1678G>A variant is predicted to result in the amino acid substitution p.Ala560Thr. To our knowledge, this variant has not been reported in the literature or in a large population database (gnomAD), indicating this variant is rare. At this time, the clinical significance of this variant is uncertain due to the absence of conclusive functional and genetic evidence.

NM_020843.4(SCAPER):c.1660G>A (p.Ala554Thr)

Gene: SCAPER (S-phase cyclin A associated protein in the ER; minus strand). Cytogenetic location: 15q24.3.
Variant type: single nucleotide variant.
Coding change: c.1660G>A on transcript NM_020843.4 (MANE Select); coding-DNA position 1660, G replaced by A.
Protein change: p.Ala554Thr; replaces alanine 554 with threonine.
Molecular consequence: missense variant. On other transcripts: non-coding transcript variant (1).
Genome position (GRCh38, 1-based): chr15:76,765,026, C>T on the plus strand (G>A on the coding strand, the complement: SCAPER is on the minus strand). VCF-style: chr15-76765026-C-T. GRCh37 (hg19) VCF-style: chr15-77057367-C-T.
Other names: c.922G>A, p.Ala308Thr (NM_001145923.2); c.1678G>A, p.Ala560Thr (NM_001353009.2); c.1258G>A, p.Ala420Thr (NM_001353010.2, NM_001353012.2); c.1276G>A, p.Ala426Thr (NM_001353011.2); short protein forms A560T, A426T, A554T, A420T, A308T.
Identifiers: ClinVar variation 4998837 (VCV004998837.1).